The following is an entry in ClinVar:

ClinVar aggregate classification (germline): Uncertain significance (1 of 4 stars; one submission).

Allele frequency attached by ClinVar (database versions not stated): TOPMed below 0.00001.

Submission:

Labcorp Genetics (formerly Invitae), Labcorp
Classification: Uncertain significance. Last evaluated: 2022-06-28. Review status: criteria provided, single submitter. Criteria: Invitae Variant Classification Sherloc (09022015). Collection method: clinical testing. Allele origin: germline.
Comment: In summary, the available evidence is currently insufficient to determine the role of this variant in disease. Therefore, it has been classified as a Variant of Uncertain Significance. Algorithms developed to predict the effect of missense changes on protein structure and function are either unavailable or do not agree on the potential impact of this missense change (SIFT: "Deleterious"; PolyPhen-2: "Possibly Damaging"; Align-GVGD: "Class C0"). This variant has not been reported in the literature in individuals affected with DNAH9-related conditions. This variant is not present in population databases (gnomAD no frequency). This sequence change replaces isoleucine, which is neutral and non-polar, with methionine, which is neutral and non-polar, at codon 3233 of the DNAH9 protein (p.Ile3233Met).

NM_001372.4(DNAH9):c.9699T>G (p.Ile3233Met)

Gene: DNAH9 (dynein axonemal heavy chain 9; plus strand). Cytogenetic location: 17p12.
Variant type: single nucleotide variant.
Coding change: c.9699T>G on transcript NM_001372.4 (MANE Select); coding-DNA position 9699, T replaced by G.
Protein change: p.Ile3233Met; replaces isoleucine 3233 with methionine.
Molecular consequence: missense variant.
Genome position (GRCh38, 1-based): chr17:11,854,194, T>G. VCF-style: chr17-11854194-T-G. GRCh37 (hg19) VCF-style: chr17-11757511-T-G.
Other names: short protein forms I3233M.
Identifiers: ClinVar variation 1496296 (VCV001496296.5), dbSNP rs765410819, ClinGen allele CA398192569.